The following is an entry in ClinVar:

NM_004656.4(BAP1):c.1724T>G (p.Leu575Arg)

Gene: BAP1 (BRCA1 associated deubiquitinase 1; minus strand). Cytogenetic location: 3p21.1.
Variant type: single nucleotide variant.
Coding change: c.1724T>G on transcript NM_004656.4 (MANE Select); coding-DNA position 1724, T replaced by G.
Protein change: p.Leu575Arg; replaces leucine 575 with arginine.
Molecular consequence: missense variant.
Genome position (GRCh38, 1-based): chr3:52,403,421, A>C on the plus strand (T>G on the coding strand, the complement: BAP1 is on the minus strand). VCF-style: chr3-52403421-A-C. GRCh37 (hg19) VCF-style: chr3-52437437-A-C.
Other names: c.1670T>G, p.Leu557Arg (NM_001410772.1); short protein forms L557R, L575R.
Identifiers: ClinVar variation 1778839 (VCV001778839.2), dbSNP rs2153226570, ClinGen allele CA353099529.

ClinVar aggregate classification (germline): Uncertain significance (1 of 4 stars; one submission).

Conditions:
Hereditary cancer-predisposing syndrome. Also called: Neoplastic Syndromes, Hereditary; Tumor predisposition; Hereditary Cancer Syndrome; Hereditary neoplastic syndrome. Identifiers: Orphanet 140162, MedGen C0027672, MeSH D009386, MONDO:0015356.

Submission:

Ambry Genetics
Classification: Uncertain significance for Hereditary cancer-predisposing syndrome. Last evaluated: 2019-05-06. Review status: criteria provided, single submitter. Criteria: Ambry Variant Classification Scheme 2023. Collection method: clinical testing. Allele origin: germline.
Comment: The p.L575R variant (also known as c.1724T>G), located in coding exon 13 of the BAP1 gene, results from a T to G substitution at nucleotide position 1724. The leucine at codon 575 is replaced by arginine, an amino acid with dissimilar properties. This amino acid position is not well conserved in available vertebrate species. In addition, this alteration is predicted to be tolerated by in silico analysis. Since supporting evidence is limited at this time, the clinical significance of this alteration remains unclear.